The following is an entry in ClinVar:

ClinVar aggregate classification (germline): Uncertain significance. Review status: criteria provided, multiple submitters, no conflicts (2 of 4 stars). 2 submissions from 2 submitters: Uncertain significance (2). Last evaluated 2025-06-06.

Conditions:
Renal cell carcinoma. Identifiers: Orphanet 217071, MedGen C0007134, MeSH D002292, MONDO:0005086, HP:0005584.
Hereditary cancer-predisposing syndrome. Also called: Tumor predisposition; Hereditary neoplastic syndrome; Hereditary Cancer Syndrome; Neoplastic Syndromes, Hereditary. Identifiers: Orphanet 140162, MedGen C0027672, MeSH D009386, MONDO:0015356.

Submissions (2):

Ambry Genetics
Classification: Uncertain significance for Hereditary cancer-predisposing syndrome. Last evaluated: 2025-06-06. Review status: criteria provided, single submitter. Criteria: Ambry Variant Classification Scheme 2023. Collection method: clinical testing. Allele origin: germline.
Comment: The p.A1083V variant (also known as c.3248C>T), located in coding exon 14 of the MET gene, results from a C to T substitution at nucleotide position 3248. The alanine at codon 1083 is replaced by valine, an amino acid with similar properties. This amino acid position is conserved. In addition, this alteration is predicted to be tolerated by in silico analysis. Based on the available evidence, the clinical significance of this variant remains unclear.

Labcorp Genetics (formerly Invitae), Labcorp
Classification: Uncertain significance for Renal cell carcinoma. Last evaluated: 2022-12-14. Review status: criteria provided, single submitter. Criteria: Invitae Variant Classification Sherloc (09022015). Collection method: clinical testing. Allele origin: germline.
Comment: ClinVar contains an entry for this variant (Variation ID: 1463950). This variant has not been reported in the literature in individuals affected with MET-related conditions. This variant is not present in population databases (gnomAD no frequency). This sequence change replaces alanine, which is neutral and non-polar, with valine, which is neutral and non-polar, at codon 1083 of the MET protein (p.Ala1083Val). Advanced modeling of protein sequence and biophysical properties (such as structural, functional, and spatial information, amino acid conservation, physicochemical variation, residue mobility, and thermodynamic stability) performed at Invitae indicates that this missense variant is not expected to disrupt MET protein function. In summary, the available evidence is currently insufficient to determine the role of this variant in disease. Therefore, it has been classified as a Variant of Uncertain Significance.

NM_000245.4(MET):c.3194C>T (p.Ala1065Val)

Gene: MET (MET proto-oncogene, receptor tyrosine kinase; plus strand). Cytogenetic location: 7q31.2.
Variant type: single nucleotide variant.
Coding change: c.3194C>T on transcript NM_000245.4 (MANE Select); coding-DNA position 3194, C replaced by T.
Protein change: p.Ala1065Val; replaces alanine 1065 with valine.
Molecular consequence: missense variant.
Genome position (GRCh38, 1-based): chr7:116,775,046, C>T. VCF-style: chr7-116775046-C-T. GRCh37 (hg19) VCF-style: chr7-116415100-C-T.
Other names: c.3248C>T (NM_001127500.1); c.3248C>T, p.Ala1083Val (NM_001127500.3); c.1904C>T, p.Ala635Val (NM_001324402.2); short protein forms A1065V, A1083V, A635V.
Identifiers: ClinVar variation 1463950 (VCV001463950.9), dbSNP rs2117031577, ClinGen allele CA368988584.